The following is an entry in ClinVar:

ClinVar aggregate classification (germline): Pathogenic/Likely pathogenic. Review status: criteria provided, multiple submitters, no conflicts (2 of 4 stars). 3 submissions from 3 submitters: Pathogenic (2); Likely pathogenic (1). Last evaluated 2024-12-04.

Conditions:
Peutz-Jeghers syndrome (PJS). Also called: Peutz-Jeghers polyposis; Periorificial lentiginosis syndrome; POLYPOSIS, HAMARTOMATOUS INTESTINAL; POLYPS-AND-SPOTS SYNDROME. Identifiers: Orphanet 2869, MedGen C0031269, MeSH D010580, MONDO:0008280, OMIM 175200.
Hereditary cancer-predisposing syndrome. Also called: Hereditary neoplastic syndrome; Tumor predisposition; Neoplastic Syndromes, Hereditary; Hereditary Cancer Syndrome. Identifiers: Orphanet 140162, MedGen C0027672, MeSH D009386, MONDO:0015356.

Submissions (3):

Labcorp Genetics (formerly Invitae), Labcorp
Classification: Pathogenic for Peutz-Jeghers syndrome. Last evaluated: 2024-12-04. Review status: criteria provided, single submitter. Criteria: Invitae Variant Classification Sherloc (09022015). Collection method: clinical testing. Allele origin: germline.
Comment: This sequence change replaces asparagine, which is neutral and polar, with lysine, which is basic and polar, at codon 181 of the STK11 protein (p.Asn181Lys). This variant is not present in population databases (gnomAD no frequency). This missense change has been observed in individuals with Peutz-Jeghers syndrome (external communication, internal data). ClinVar contains an entry for this variant (Variation ID: 428757). Invitae Evidence Modeling of protein sequence and biophysical properties (such as structural, functional, and spatial information, amino acid conservation, physicochemical variation, residue mobility, and thermodynamic stability) has been performed for this missense variant. However, the output from this modeling did not meet the statistical confidence thresholds required to predict the impact of this variant on STK11 protein function. This variant disrupts the p.Asn181 amino acid residue in STK11. Other variant(s) that disrupt this residue have been determined to be pathogenic (PMID: 9887330, 10623683, 15121768; internal data). This suggests that this residue is clinically significant, and that variants that disrupt this residue are likely to be disease-causing. For these reasons, this variant has been classified as Pathogenic.

Genome-Nilou Lab
Classification: Likely pathogenic for Peutz-Jeghers syndrome. Last evaluated: 2021-07-15. Review status: criteria provided, single submitter. Criteria: ACMG Guidelines, 2015. Collection method: clinical testing. Allele origin: germline. Affected: no.

Ambry Genetics
Classification: Pathogenic for Hereditary cancer-predisposing syndrome. Last evaluated: 2017-12-13. Review status: criteria provided, single submitter. Criteria: Ambry Autosomal Dominant and X-Linked criteria (3/2017). Collection method: clinical testing. Allele origin: germline. Observed: 1 variant allele.
Comment: The p.N181K pathogenic mutation (also known as c.543C>G), located in coding exon 4 of the STK11 gene, results from a C to G substitution at nucleotide position 543. The asparagine at codon 181 is replaced by lysine, an amino acid with similar properties. Based on an internal structural assessment, this alteration disrupts the Mg-ATP binding in the active site of STK11 (Zeqiraj E et al. Science, 2009 Dec;326:1707-11; Gerlits O et al. Biochemistry, 2013 May;52:3721-7). Three different alterations at the same codon, p.N181Y, p.N181T, and p.N181E, have either been reported in a patient diagnosed with Peutz-Jeghers syndrome (PJS) (Ylikorkala A et al. Hum. Mol. Genet., 1999 Jan;8:45-51) or in patients suspected of having PJS (Connolly DC et al. Am. J. Pathol., 2000 Jan;156:339-45; Amos CI et al. J. Med. Genet., 2004 May;41:327-33). Based on the supporting evidence, this alteration is interpreted as a disease-causing mutation.

Literature cited by the submitters: PubMed 9887330 (cited by Labcorp Genetics (formerly Invitae), Labcorp and Ambry Genetics); PubMed 10623683 (cited by Labcorp Genetics (formerly Invitae), Labcorp and Ambry Genetics); PubMed 15121768 (cited by Labcorp Genetics (formerly Invitae), Labcorp and Ambry Genetics); PubMed 19892943 (cited by Ambry Genetics); PubMed 23672593 (cited by Ambry Genetics).

NM_000455.5(STK11):c.543C>G (p.Asn181Lys)

Gene: STK11 (serine/threonine kinase 11; plus strand). Cytogenetic location: 19p13.3.
Variant type: single nucleotide variant.
Coding change: c.543C>G on transcript NM_000455.5 (MANE Select); coding-DNA position 543, C replaced by G.
Protein change: p.Asn181Lys; replaces asparagine 181 with lysine.
Molecular consequence: missense variant.
Genome position (GRCh38, 1-based): chr19:1,220,451, C>G. VCF-style: chr19-1220451-C-G. GRCh37 (hg19) VCF-style: chr19-1220450-C-G.
Other names: short protein forms N181K.
Identifiers: ClinVar variation 428757 (VCV000428757.16), dbSNP rs730881973, ClinGen allele CA402949111.